The following is an entry in ClinVar:

ClinVar aggregate classification (germline): Uncertain significance. Review status: criteria provided, multiple submitters, no conflicts (2 of 4 stars). 2 submissions from 2 submitters: Uncertain significance (2). Last evaluated 2024-06-07.

Conditions:
Plasminogen deficiency, type I. Also called: Type 1 plasminogen deficiency; Hypoplasminogenemia. Identifiers: Orphanet 722, MedGen C1968804, MONDO:0009009, OMIM 217090.
Angioedema, hereditary, 4. Identifiers: MedGen C5543503, MONDO:0025712, OMIM 619360.

Submissions (2):

Fulgent Genetics
Classification: Uncertain significance for Plasminogen deficiency, type I; Angioedema, hereditary, 4. Last evaluated: 2024-06-07. Review status: criteria provided, single submitter. Criteria: ACMG Guidelines, 2015. Collection method: clinical testing. Allele origin: germline.

Labcorp Genetics (formerly Invitae), Labcorp
Classification: Uncertain significance. Last evaluated: 2023-10-09. Review status: criteria provided, single submitter. Criteria: Invitae Variant Classification Sherloc (09022015). Collection method: clinical testing. Allele origin: germline.
Comment: This sequence change replaces glycine, which is neutral and non-polar, with arginine, which is basic and polar, at codon 456 of the PLG protein (p.Gly456Arg). This variant is not present in population databases (gnomAD no frequency). This variant has not been reported in the literature in individuals affected with PLG-related conditions. ClinVar contains an entry for this variant (Variation ID: 1938126). Advanced modeling of protein sequence and biophysical properties (such as structural, functional, and spatial information, amino acid conservation, physicochemical variation, residue mobility, and thermodynamic stability) performed at Invitae indicates that this missense variant is not expected to disrupt PLG protein function. In summary, the available evidence is currently insufficient to determine the role of this variant in disease. Therefore, it has been classified as a Variant of Uncertain Significance.

NM_000301.5(PLG):c.1366G>C (p.Gly456Arg)

Gene: PLG (plasminogen; plus strand). Cytogenetic location: 6q26.
Variant type: single nucleotide variant.
Coding change: c.1366G>C on transcript NM_000301.5 (MANE Select); coding-DNA position 1366, G replaced by C.
Protein change: p.Gly456Arg; replaces glycine 456 with arginine.
Molecular consequence: missense variant.
Genome position (GRCh38, 1-based): chr6:160,731,160, G>C. VCF-style: chr6-160731160-G-C. GRCh37 (hg19) VCF-style: chr6-161152192-G-C.
Other names: short protein forms G456R.
Identifiers: ClinVar variation 1938126 (VCV001938126.6), dbSNP rs2484376485, ClinGen allele CA366363760.